The following is an entry in ClinVar:

ClinVar aggregate classification (germline): Pathogenic. Review status: criteria provided, multiple submitters, no conflicts (2 of 4 stars). 2 submissions from 2 submitters: Pathogenic (2). Last evaluated 2024-12-03.

Conditions:
Hereditary cancer-predisposing syndrome. Also called: Hereditary neoplastic syndrome; Tumor predisposition; Neoplastic Syndromes, Hereditary; Hereditary Cancer Syndrome. Identifiers: Orphanet 140162, MedGen C0027672, MeSH D009386, MONDO:0015356.
Cardiovascular phenotype. Identifiers: MedGen CN230736.
Neurofibromatosis, type 1 (NF1). Also called: Neurofibromatosis, type I; VON RECKLINGHAUSEN DISEASE; Peripheral type neurofibromatosis; NEUROFIBROMATOSIS, TYPE I, SOMATIC. Identifiers: Orphanet 636, MedGen C0027831, MONDO:0018975, OMIM 162200. Disease mechanism: loss of function.

Submissions (2):

Ambry Genetics
Classification: Pathogenic for Cardiovascular phenotype; Hereditary cancer-predisposing syndrome. Last evaluated: 2024-12-03. Review status: criteria provided, single submitter. Criteria: Ambry Variant Classification Scheme 2023. Collection method: clinical testing. Allele origin: germline.
Comment: The p.E1811* pathogenic mutation (also known as c.5431G>T), located in coding exon 37 of the NF1 gene, results from a G to T substitution at nucleotide position 5431. This changes the amino acid from a glutamic acid to a stop codon within coding exon 37. This alteration is expected to result in loss of function by premature protein truncation or nonsense-mediated mRNA decay. In silico splice site analysis predicts that this alteration will result in the creation or strengthening of a novel splice donor site. This variant was identified in 2 of 565 unrelated French probands with clinical diagnoses or suspicion of NF1, and RNA studies demonstrated that this alteration results in an out-of-frame transcript (Sabbagh A et al. Hum Mutat, 2013 Nov;34:1510-8). This variant is considered to be rare based on population cohorts in the Genome Aggregation Database (gnomAD). Based on the supporting evidence, this variant is interpreted as a disease-causing mutation.

Labcorp Genetics (formerly Invitae), Labcorp
Classification: Pathogenic for Neurofibromatosis, type 1. Last evaluated: 2024-03-03. Review status: criteria provided, single submitter. Criteria: Invitae Variant Classification Sherloc (09022015). Collection method: clinical testing. Allele origin: germline.
Comment: This sequence change creates a premature translational stop signal (p.Glu1811*) in the NF1 gene. It is expected to result in an absent or disrupted protein product. Loss-of-function variants in NF1 are known to be pathogenic (PMID: 10712197, 23913538). This variant is not present in population databases (gnomAD no frequency). This premature translational stop signal has been observed in individual(s) with clinical features of neurofibromatosis type 1 (PMID: 23913538). ClinVar contains an entry for this variant (Variation ID: 859126). For these reasons, this variant has been classified as Pathogenic.

Literature cited by the submitters: PubMed 23913538 (cited by Ambry Genetics and Labcorp Genetics (formerly Invitae), Labcorp); PubMed 10712197 (cited by Labcorp Genetics (formerly Invitae), Labcorp).

NM_001042492.3(NF1):c.5494G>T (p.Glu1832Ter)

Gene: NF1 (neurofibromin 1; plus strand). Cytogenetic location: 17q11.2.
Variant type: single nucleotide variant.
Coding change: c.5494G>T on transcript NM_001042492.3 (MANE Select); coding-DNA position 5494, G replaced by T.
Protein change: p.Glu1832Ter; replaces glutamic acid 1832 with a stop codon.
Molecular consequence: nonsense.
Genome position (GRCh38, 1-based): chr17:31,327,724, G>T. VCF-style: chr17-31327724-G-T. GRCh37 (hg19) VCF-style: chr17-29654742-G-T.
Other names: c.5431G>T, p.Glu1811Ter (NM_000267.4); short protein forms E1811*, E1832*.
Identifiers: ClinVar variation 859126 (VCV000859126.7), dbSNP rs2069382639, ClinGen allele CA399009591.
Genomic context (GRCh38, chr17:31,327,724, plus strand): 5'-TTCATGCACCAGGAGTGTGAAGCCATTGTCCAGTCTATCATTCATATCCGGACCCGCTGG[G>T]AACTGTCACAGCCCGACTCTATCCCCCAACACACCAAGATTCGGCCAAAAGATGTCCCTG-3'